The following is an entry in ClinVar:

NM_015450.3(POT1):c.220A>T (p.Lys74Ter)

Gene: POT1 (protection of telomeres 1; minus strand). Cytogenetic location: 7q31.33.
Variant type: single nucleotide variant.
Coding change: c.220A>T on transcript NM_015450.3 (MANE Select); coding-DNA position 220, A replaced by T.
Protein change: p.Lys74Ter; replaces lysine 74 with a stop codon.
Molecular consequence: nonsense. On other transcripts: non-coding transcript variant (3), intron variant (1).
Genome position (GRCh38, 1-based): chr7:124,870,946, T>A on the plus strand (A>T on the coding strand, the complement: POT1 is on the minus strand). VCF-style: chr7-124870946-T-A. GRCh37 (hg19) VCF-style: chr7-124511000-T-A.
Other names: c.-138-7306A>T (NM_001042594.2); short protein forms K74*.
Identifiers: ClinVar variation 3662217 (VCV003662217.2).
Genomic context (GRCh38, chr7:124,870,946, plus strand): 5'-AAGTTCTAGACAATATGAATTATACCTTCAGCCTGTGAAAGCGAACAATATCTCCATTTT[T>A]ATAAATTATTGGAAGGGCTTCATAGTTTCCACTAAAGAGCAGGCAAGTTAGTTTTACATT-3'

ClinVar aggregate classification (germline): Pathogenic (1 of 4 stars; one submission).

Conditions:
Tumor predisposition syndrome 3 (TPDS3). Also called: Melanoma, cutaneous malignant, susceptibility to, 10; Glioma susceptibility 9; LONG TELOMERE SYNDROME, POT1-RELATED; POT1 Tumor Predisposition. Identifiers: Orphanet 618, MedGen C4014476, MONDO:0014368, OMIM 615848.

Submission:

Labcorp Genetics (formerly Invitae), Labcorp
Classification: Pathogenic for Tumor predisposition syndrome 3. Last evaluated: 2024-08-13. Review status: criteria provided, single submitter. Criteria: Invitae Variant Classification Sherloc (09022015). Collection method: clinical testing. Allele origin: germline.
Comment: This sequence change creates a premature translational stop signal (p.Lys74*) in the POT1 gene. It is expected to result in an absent or disrupted protein product. Loss-of-function variants in POT1 are known to be pathogenic (PMID: 32155570). This variant is not present in population databases (gnomAD no frequency). This variant has not been reported in the literature in individuals affected with POT1-related conditions. Algorithms developed to predict the effect of sequence changes on RNA splicing suggest that this variant may disrupt the consensus splice site. For these reasons, this variant has been classified as Pathogenic.

Literature cited by the submitters: PubMed 32155570.